The following is an entry in ClinVar:

ClinVar aggregate classification (germline): Uncertain significance (1 of 4 stars; one submission).

Conditions:
ALG6-congenital disorder of glycosylation 1C (CDG1C). Also called: CDG Ic; Congenital disorder of glycosylation, type Ic; CARBOHYDRATE-DEFICIENT GLYCOPROTEIN SYNDROME, TYPE I, WITH DEFICIENT GLYCOSYLATION OF DOLICHOL-LINKED OLIGOSACCHARIDE; CARBOHYDRATE-DEFICIENT GLYCOPROTEIN SYNDROME, TYPE V; Congenital disorder of glycosylation type 1C. Identifiers: Orphanet 79320, MedGen C2930997, MONDO:0011291, OMIM 603147.

Allele frequency attached by ClinVar (database versions not stated): gnomAD exomes below 0.00001; TOPMed below 0.00001.

Submission:

Labcorp Genetics (formerly Invitae), Labcorp
Classification: Uncertain significance for ALG6-congenital disorder of glycosylation 1C. Last evaluated: 2021-08-26. Review status: criteria provided, single submitter. Criteria: Invitae Variant Classification Sherloc (09022015). Collection method: clinical testing. Allele origin: germline.
Comment: This sequence change replaces proline with serine at codon 209 of the ALG6 protein (p.Pro209Ser). The proline residue is highly conserved and there is a moderate physicochemical difference between proline and serine. This variant is not present in population databases (ExAC no frequency). This variant has not been reported in the literature in individuals affected with ALG6-related conditions. Algorithms developed to predict the effect of missense changes on protein structure and function are either unavailable or do not agree on the potential impact of this missense change (SIFT: "Tolerated"; PolyPhen-2: "Probably Damaging"; Align-GVGD: "Class C15"). In summary, the available evidence is currently insufficient to determine the role of this variant in disease. Therefore, it has been classified as a Variant of Uncertain Significance.

NM_013339.4(ALG6):c.625C>T (p.Pro209Ser)

Gene: ALG6 (ALG6 alpha-1,3-glucosyltransferase; plus strand). Cytogenetic location: 1p31.3.
Variant type: single nucleotide variant.
Coding change: c.625C>T on transcript NM_013339.4 (MANE Select); coding-DNA position 625, C replaced by T.
Protein change: p.Pro209Ser; replaces proline 209 with serine.
Molecular consequence: missense variant.
Genome position (GRCh38, 1-based): chr1:63,411,276, C>T. VCF-style: chr1-63411276-C-T. GRCh37 (hg19) VCF-style: chr1-63876947-C-T.
Other names: short protein forms P209S.
Identifiers: ClinVar variation 2154795 (VCV002154795.1), dbSNP rs530113520, ClinGen allele CA23806576.